The following is an entry in ClinVar:

ClinVar aggregate classification (germline): Likely benign. Review status: criteria provided, multiple submitters, no conflicts (2 of 4 stars). 4 submissions from 4 submitters: Likely benign (4). Last evaluated 2026-07-01.

Conditions:
Fanconi anemia (FA). Also called: Fanconi's anemia. Identifiers: Orphanet 84, MedGen C0015625, MeSH D005199, MONDO:0019391.
FANCM-related disorder. Also called: FANCM-related condition.
Inborn genetic diseases. Identifiers: MedGen C0950123, MeSH D030342.

Allele frequency attached by ClinVar (database versions not stated): gnomAD exomes below 0.00001.
gnomAD v4.1: 3 of 1,608,002 alleles (0.00019%); highest among the groups gnomAD compares: Non-Finnish European, 0.00026%; no homozygotes.

Submissions (4):

PreventionGenetics, part of Exact Sciences
Classification: Likely benign for FANCM-related condition. Last evaluated: 2026-07-01. Review status: criteria provided, single submitter. Criteria: ACMG Guidelines, 2015. Collection method: clinical testing. Allele origin: germline.
Comment: This variant is classified as likely benign based on ACMG/AMP sequence variant interpretation guidelines (Richards et al. 2015 PMID: 25741868, with internal and published modifications).

Ambry Genetics
Classification: Likely benign for Inborn genetic diseases. Last evaluated: 2025-03-07. Review status: criteria provided, single submitter. Criteria: Ambry Variant Classification Scheme 2023. Collection method: clinical testing. Allele origin: germline.

Labcorp Genetics (formerly Invitae), Labcorp
Classification: Likely benign for Fanconi anemia. Last evaluated: 2024-01-19. Review status: criteria provided, single submitter. Criteria: Invitae Variant Classification Sherloc (09022015). Collection method: clinical testing. Allele origin: germline.

Blueprint Genetics
Classification: Likely benign. Last evaluated: 2023-01-26. Review status: criteria provided, single submitter. Criteria: ACMG Guidelines, 2015. Collection method: clinical testing. Allele origin: germline.

NM_020937.4(FANCM):c.1305A>G (p.Gln435=)

Gene: FANCM (FA complementation group M; plus strand). Cytogenetic location: 14q21.2.
Variant type: single nucleotide variant.
Coding change: c.1305A>G on transcript NM_020937.4 (MANE Select); coding-DNA position 1305, A replaced by G.
Protein change: p.Gln435=; no amino-acid change (glutamine 435 retained).
Molecular consequence: synonymous variant.
Genome position (GRCh38, 1-based): chr14:45,154,818, A>G. VCF-style: chr14-45154818-A-G. GRCh37 (hg19) VCF-style: chr14-45624021-A-G.
Other names: c.1305A>G (NM_020937.3, NM_020937.2); c.1227A>G, p.Gln409= (NM_001308133.2); c.1305A>G, p.Gln435= (NM_001308134.2).
Identifiers: ClinVar variation 1477786 (VCV001477786.11), dbSNP rs2139171928, ClinGen allele CA486138553.
Genomic context (GRCh38, chr14:45,154,818, plus strand): 5'-TCTAGAGTGTATGTTTGCACGTACACGTAGTACTTCAGCAAATGGTATTTCTGCTATCCA[A>G]CAAGGTCTGGTTTTTCTTTTAAAATTATGTATTGTGTTGTGTTTCTTAATCACAGTTAAT-3'
Protein context (NP_065988.1, residues 425-445): STSANGISAI[Gln435=]QGDKNKKFVY